The following is an entry in ClinVar:

ClinVar aggregate classification (germline): Benign/Likely benign. Review status: criteria provided, multiple submitters, no conflicts (2 of 4 stars). 2 submissions from 2 submitters: Benign (1); Likely benign (1). Last evaluated 2026-05-21.

Conditions:
Neurofibromatosis, type 1 (NF1). Also called: Neurofibromatosis, type I; NEUROFIBROMATOSIS, TYPE I, SOMATIC; Peripheral type neurofibromatosis; VON RECKLINGHAUSEN DISEASE. Identifiers: Orphanet 636, MedGen C0027831, MONDO:0018975, OMIM 162200. Disease mechanism: loss of function.

Submissions (2):

Myriad Genetics, Inc.
Classification: Benign for Neurofibromatosis, type 1. Last evaluated: 2026-05-21. Review status: criteria provided, single submitter. Criteria: Myriad Autosomal Dominant, Autosomal Recessive and X-Linked Classification Criteria (2023). Collection method: clinical testing. Allele origin: unknown.
Comment: This variant is considered benign. This variant is a silent/synonymous amino acid change and it is not expected to impact splicing.

Labcorp Genetics (formerly Invitae), Labcorp
Classification: Likely benign for Neurofibromatosis, type 1. Last evaluated: 2022-03-20. Review status: criteria provided, single submitter. Criteria: Invitae Variant Classification Sherloc (09022015). Collection method: clinical testing. Allele origin: germline.

NM_001042492.3(NF1):c.6564T>C (p.Ser2188=)

Gene: NF1 (neurofibromin 1; plus strand). Cytogenetic location: 17q11.2.
Variant type: single nucleotide variant.
Coding change: c.6564T>C on transcript NM_001042492.3 (MANE Select); coding-DNA position 6564, T replaced by C.
Protein change: p.Ser2188=; no amino-acid change (serine 2188 retained).
Molecular consequence: synonymous variant.
Genome position (GRCh38, 1-based): chr17:31,337,504, T>C. VCF-style: chr17-31337504-T-C. GRCh37 (hg19) VCF-style: chr17-29664522-T-C.
Other names: c.6501T>C, p.Ser2167= (NM_000267.4).
Identifiers: ClinVar variation 1949075 (VCV001949075.6), dbSNP rs2508753993, ClinGen allele CA499234102.